The following is an entry in ClinVar:

NM_001904.4(CTNNB1):c.366_367insT (p.Gln123fs)

Genes: CTNNB1 (catenin beta 1; plus strand), LOC126806658 (BRD4-independent group 4 enhancer GRCh37_chr3:41265899-41267098; plus strand). Cytogenetic location: 3p22.1.
Variant type: Insertion.
Coding change: c.366_367insT on transcript NM_001904.4 (MANE Select); coding-DNA positions 366 to 367, T inserted.
Protein change: p.Gln123fs; shifts the reading frame from glutamine 123.
Molecular consequence: frameshift variant.
Genome position: GRCh38 VCF-style: chr3-41225078-C-CT. GRCh37 (hg19) VCF-style: chr3-41266569-C-CT.
Other names: c.366_367insT, p.Gln123fs (NM_001098210.2, NM_001098209.2); c.345_346insT, p.Gln116fs (NM_001330729.2); short protein forms Q116fs, Q123fs.
Identifiers: ClinVar variation 1361777 (VCV001361777.6), dbSNP rs2125620428, ClinGen allele CA2573136978.
Genomic context (GRCh38, chr3:41,225,078, plus strand): 5'-ATTAGATGAGGGCATGCAGATCCCATCTACACAGTTTGATGCTGCTCATCCCACTAATGT[C>CT]CAGCGTTTGGCTGAACCATCACAGATGCTGAAACATGCAGTTGTAAACTTGATTAACTAT-3'

ClinVar aggregate classification (germline): Pathogenic (1 of 4 stars; one submission).

Submission:

Labcorp Genetics (formerly Invitae), Labcorp
Classification: Pathogenic. Last evaluated: 2022-08-15. Review status: criteria provided, single submitter. Criteria: Invitae Variant Classification Sherloc (09022015). Collection method: clinical testing. Allele origin: germline.
Comment: For these reasons, this variant has been classified as Pathogenic. This sequence change creates a premature translational stop signal (p.Gln123Serfs*5) in the CTNNB1 gene. It is expected to result in an absent or disrupted protein product. Loss-of-function variants in CTNNB1 are known to be pathogenic (PMID: 23033978, 24614104, 25326669, 26350204, 28575650). This variant is not present in population databases (gnomAD no frequency). This variant has not been reported in the literature in individuals affected with CTNNB1-related conditions. ClinVar contains an entry for this variant (Variation ID: 1361777).

Literature cited by the submitters: PubMed 23033978; PubMed 24614104; PubMed 25326669; PubMed 26350204; PubMed 28575650.